The following is an entry in ClinVar:

NM_000295.5(SERPINA1):c.980_981insTA (p.Gly328fs)

Gene: SERPINA1 (serpin family A member 1; minus strand). Cytogenetic location: 14q32.13.
Variant type: Insertion.
Coding change: c.980_981insTA on transcript NM_000295.5 (MANE Select); coding-DNA positions 980 to 981, TA inserted.
Protein change: p.Gly328fs; shifts the reading frame from glycine 328.
Molecular consequence: frameshift variant.
Genome position: GRCh38 VCF-style: chr14-94379548-C-CTA. GRCh37 (hg19) VCF-style: chr14-94845885-C-CTA.
Other names: c.980_981insTA, p.Gly328fs (NM_001002235.3, NM_001002236.3, NM_001127700.2 and 7 more transcripts); short protein forms G328fs.
Identifiers: ClinVar variation 3038335 (VCV003038335.2), dbSNP rs1226646910, ClinGen allele CA616114922.

ClinVar aggregate classification (germline): Benign (0 of 4 stars; one submission).

Conditions:
SERPINA1-related disorder. Also called: SerpinA1-related disorders; SERPINA1-related condition.

Submission:

PreventionGenetics, part of Exact Sciences
Classification: Benign for SERPINA1-related condition. Last evaluated: 2021-05-03. Review status: no assertion criteria provided. Collection method: clinical testing. Allele origin: germline.
Comment: This variant is classified as benign based on ACMG/AMP sequence variant interpretation guidelines (Richards et al. 2015 PMID: 25741868, with internal and published modifications).